The following is an entry in ClinVar:

NM_015937.6(PIGT):c.19C>G (p.Leu7Val)

Gene: PIGT (phosphatidylinositol glycan anchor biosynthesis class T; plus strand). Cytogenetic location: 20q13.12.
Variant type: single nucleotide variant.
Coding change: c.19C>G on transcript NM_015937.6 (MANE Select); coding-DNA position 19, C replaced by G.
Protein change: p.Leu7Val; replaces leucine 7 with valine.
Molecular consequence: missense variant. On other transcripts: non-coding transcript variant (5).
Genome position (GRCh38, 1-based): chr20:45,416,175, C>G. VCF-style: chr20-45416175-C-G. GRCh37 (hg19) VCF-style: chr20-44044815-C-G.
Other names: c.19C>G, p.Leu7Val (NM_001184728.3, NM_001184729.3, NM_001184730.3); short protein forms L7V.
Identifiers: ClinVar variation 2573929 (VCV002573929.1), dbSNP rs1989950317, ClinGen allele CA409165671.

ClinVar aggregate classification (germline): Uncertain significance (1 of 4 stars; one submission).

Allele frequency attached by ClinVar (database versions not stated): TOPMed below 0.00001.
gnomAD v4.1: 2 of 1,577,164 alleles (0.00013%); highest among the groups gnomAD compares: Admixed American, 0.0018%; no homozygotes.

Submission:

GeneDx
Classification: Uncertain significance. Last evaluated: 2023-01-15. Review status: criteria provided, single submitter. Criteria: GeneDx Variant Classification Process June 2021. Collection method: clinical testing. Allele origin: germline. Affected: yes.
Comment: Not observed at significant frequency in large population cohorts (gnomAD); In silico analysis supports that this missense variant does not alter protein structure/function; Has not been previously published as pathogenic or benign to our knowledge